The following is an entry in ClinVar:

NM_016107.5(ZFR):c.1553A>G (p.Glu518Gly)

Gene: ZFR (zinc finger RNA binding protein; minus strand). Cytogenetic location: 5p13.3.
Variant type: single nucleotide variant.
Coding change: c.1553A>G on transcript NM_016107.5 (MANE Select); coding-DNA position 1553, A replaced by G.
Protein change: p.Glu518Gly; replaces glutamic acid 518 with glycine.
Molecular consequence: missense variant. On other transcripts: non-coding transcript variant (1).
Genome position (GRCh38, 1-based): chr5:32,400,167, T>C on the plus strand (A>G on the coding strand, the complement: ZFR is on the minus strand). VCF-style: chr5-32400167-T-C. GRCh37 (hg19) VCF-style: chr5-32400272-T-C.
Other names: short protein forms E518G.
Identifiers: ClinVar variation 3641518 (VCV003641518.2).

ClinVar aggregate classification (germline): Uncertain significance (1 of 4 stars; one submission).

Conditions:
Pure or complex autosomal recessive spastic paraplegia. Identifiers: Orphanet 320346, MedGen C5679887, MONDO:0017915.

gnomAD v4.1: 1 of 1,610,312 alleles (0.000062%); highest among the groups gnomAD compares: Non-Finnish European, 0.000085%; no homozygotes.

Submission:

Labcorp Genetics (formerly Invitae), Labcorp
Classification: Uncertain significance for Pure or complex autosomal recessive spastic paraplegia. Last evaluated: 2024-02-29. Review status: criteria provided, single submitter. Criteria: Invitae Variant Classification Sherloc (09022015). Collection method: clinical testing. Allele origin: germline.
Comment: This sequence change replaces glutamic acid, which is acidic and polar, with glycine, which is neutral and non-polar, at codon 518 of the ZFR protein (p.Glu518Gly). This variant is not present in population databases (gnomAD no frequency). This variant has not been reported in the literature in individuals affected with ZFR-related conditions. Experimental studies and prediction algorithms are not available or were not evaluated, and the functional significance of this variant is currently unknown. In summary, the available evidence is currently insufficient to determine the role of this variant in disease. Therefore, it has been classified as a Variant of Uncertain Significance.